The following is an entry in ClinVar:

ClinVar aggregate classification (germline): Uncertain significance. Review status: criteria provided, multiple submitters, no conflicts (2 of 4 stars). 2 submissions from 2 submitters: Uncertain significance (2). Last evaluated 2026-08-15.

Conditions:
Megaconial type congenital muscular dystrophy (MDCMC). Also called: MUSCULAR DYSTROPHY, CONGENITAL, WITH MITOCHONDRIAL STRUCTURAL ABNORMALITIES; CHKB-Related Muscular Dystrophy; CHKB-Related Muscle Diseases. Identifiers: Orphanet 280671, MedGen C1865233, MONDO:0011246, OMIM 602541.

Allele frequency attached by ClinVar (database versions not stated): TOPMed 0.00002.

Submissions (2):

GeneDx
Classification: Uncertain significance. Last evaluated: 2026-08-15. Review status: criteria provided, single submitter. Criteria: GeneDx Variant Classification Process June 2021. Collection method: clinical testing. Allele origin: germline.
Comment: Not observed at significant frequency in large population cohorts (gnomAD); In silico analysis suggests that this missense variant does not alter protein structure/function; Has not been previously published as pathogenic or benign to our knowledge

Labcorp Genetics (formerly Invitae), Labcorp
Classification: Uncertain significance for Megaconial type congenital muscular dystrophy. Last evaluated: 2024-10-28. Review status: criteria provided, single submitter. Criteria: Invitae Variant Classification Sherloc (09022015). Collection method: clinical testing. Allele origin: germline.
Comment: This sequence change replaces valine, which is neutral and non-polar, with leucine, which is neutral and non-polar, at codon 74 of the CHKB protein (p.Val74Leu). This variant is present in population databases (rs758217425, gnomAD 0.003%). This variant has not been reported in the literature in individuals affected with CHKB-related conditions. ClinVar contains an entry for this variant (Variation ID: 943316). Invitae Evidence Modeling of protein sequence and biophysical properties (such as structural, functional, and spatial information, amino acid conservation, physicochemical variation, residue mobility, and thermodynamic stability) indicates that this missense variant is not expected to disrupt CHKB protein function with a negative predictive value of 80%. In summary, the available evidence is currently insufficient to determine the role of this variant in disease. Therefore, it has been classified as a Variant of Uncertain Significance.

NM_005198.5(CHKB):c.220G>C (p.Val74Leu)

Genes: CHKB (choline kinase beta; minus strand), CHKB-CPT1B (CHKB-CPT1B readthrough (NMD candidate); minus strand). Cytogenetic location: 22q13.33.
Variant type: single nucleotide variant.
Coding change: c.220G>C on transcript NM_005198.5 (MANE Select); coding-DNA position 220, G replaced by C.
Protein change: p.Val74Leu; replaces valine 74 with leucine.
Molecular consequence: missense variant. On other transcripts: non-coding transcript variant (1).
Genome position (GRCh38, 1-based): chr22:50,582,562, C>G on the plus strand (G>C on the coding strand, the complement: CHKB is on the minus strand). VCF-style: chr22-50582562-C-G. GRCh37 (hg19) VCF-style: chr22-51020991-C-G.
Other names: short protein forms V74L.
Identifiers: ClinVar variation 943316 (VCV000943316.11), dbSNP rs758217425, ClinGen allele CA10323881.